The following is an entry in ClinVar:

ClinVar aggregate classification (germline): Pathogenic. Review status: criteria provided, multiple submitters, no conflicts (2 of 4 stars). 4 submissions from 4 submitters: Pathogenic (2). 2 of the submissions do not count toward it. Last evaluated 2022-05-04.

Conditions:
Alzheimer disease type 1 (AD1). Also called: ALZHEIMER DISEASE, FAMILIAL, 1; ALZHEIMER DISEASE, FAMILIAL, 1, AUTOSOMAL RECESSIVE. Identifiers: MedGen C1863052, MONDO:0007088, OMIM 104300.
Alzheimer disease. Also called: Alzheimer's disease; Presenile and senile dementia. Identifiers: Orphanet 1020, MedGen C0002395, MeSH D000544, MONDO:0004975, HP:0002511.

Submissions (4):

Mendelics
Classification: Pathogenic for Alzheimer disease type 1. Last evaluated: 2022-05-04. Review status: criteria provided, single submitter. Criteria: Mendelics Assertion Criteria 2019. Collection method: clinical testing. Allele origin: germline.

Labcorp Genetics (formerly Invitae), Labcorp
Classification: Pathogenic for Alzheimer disease. Last evaluated: 2022-04-07. Review status: criteria provided, single submitter. Criteria: Invitae Variant Classification Sherloc (09022015). Collection method: clinical testing. Allele origin: germline.
Comment: For these reasons, this variant has been classified as Pathogenic. This variant disrupts the p.Thr714 amino acid residue in APP. Other variant(s) that disrupt this residue have been determined to be pathogenic (PMID: 11063718, 16033913, 18234110). This suggests that this residue is clinically significant, and that variants that disrupt this residue are likely to be disease-causing. Algorithms developed to predict the effect of missense changes on protein structure and function (SIFT, PolyPhen-2, Align-GVGD) all suggest that this variant is likely to be disruptive. ClinVar contains an entry for this variant (Variation ID: 18102). This missense change has been observed in individuals with early-onset Alzheimer disease (PMID: 12034808, 14769392, 18187157; Invitae). This variant is not present in population databases (gnomAD no frequency). This sequence change replaces threonine, which is neutral and polar, with alanine, which is neutral and non-polar, at codon 714 of the APP protein (p.Thr714Ala).

OMIM
Classification: Pathogenic for ALZHEIMER DISEASE, FAMILIAL, 1. Last evaluated: 2002-05-28. Review status: no assertion criteria provided. Collection method: literature only. Allele origin: germline. Not counted in ClinVar's aggregate classification.

VIB  Department of Molecular Genetics, University of Antwerp
No classification provided. Review status: no classification provided. Collection method: not provided. Allele origin: not provided. Not counted in ClinVar's aggregate classification.

Literature cited by the submitters: PubMed 11063718 (cited by Labcorp Genetics (formerly Invitae), Labcorp); PubMed 16033913 (cited by Labcorp Genetics (formerly Invitae), Labcorp); PubMed 18234110 (cited by Labcorp Genetics (formerly Invitae), Labcorp); PubMed 12034808 (cited by Labcorp Genetics (formerly Invitae), Labcorp and OMIM); PubMed 14769392 (cited by Labcorp Genetics (formerly Invitae), Labcorp); PubMed 18187157 (cited by Labcorp Genetics (formerly Invitae), Labcorp).

NM_000484.4(APP):c.2140A>G (p.Thr714Ala)

Gene: APP (amyloid beta precursor protein; minus strand). Cytogenetic location: 21q21.3.
Variant type: single nucleotide variant.
Coding change: c.2140A>G on transcript NM_000484.4 (MANE Select); coding-DNA position 2140, A replaced by G.
Protein change: p.Thr714Ala; replaces threonine 714 with alanine.
Molecular consequence: missense variant.
Genome position (GRCh38, 1-based): chr21:25,891,793, T>C on the plus strand (A>G on the coding strand, the complement: APP is on the minus strand). VCF-style: chr21-25891793-T-C. GRCh37 (hg19) VCF-style: chr21-27264105-T-C.
Other names: c.2068A>G, p.Thr690Ala (NM_001136016.3); c.1747A>G, p.Thr583Ala (NM_001136129.3); c.1972A>G, p.Thr658Ala (NM_001136130.3, NM_001385253.1); c.1810A>G, p.Thr604Ala (NM_001136131.3); c.2086A>G, p.Thr696Ala (NM_001204301.2); c.2029A>G, p.Thr677Ala (NM_001204302.2); c.1861A>G, p.Thr621Ala (NM_001204303.2); c.2083A>G, p.Thr695Ala (NM_201413.3); and 1 more; short protein forms T714A, T604A, T639A, T658A, T583A, T696A, T677A, T690A.
Identifiers: ClinVar variation 18102 (VCV000018102.7), dbSNP rs63750643, ClinGen allele CA127814.